The following is an entry in ClinVar:

NM_004656.4(BAP1):c.1051A>T (p.Thr351Ser)

Gene: BAP1 (BRCA1 associated deubiquitinase 1; minus strand). Cytogenetic location: 3p21.1.
Variant type: single nucleotide variant.
Coding change: c.1051A>T on transcript NM_004656.4 (MANE Select); coding-DNA position 1051, A replaced by T.
Protein change: p.Thr351Ser; replaces threonine 351 with serine.
Molecular consequence: missense variant.
Genome position (GRCh38, 1-based): chr3:52,405,175, T>A on the plus strand (A>T on the coding strand, the complement: BAP1 is on the minus strand). VCF-style: chr3-52405175-T-A. GRCh37 (hg19) VCF-style: chr3-52439191-T-A.
Other names: c.1051A>T (NM_004656.2); short protein forms T351S.
Identifiers: ClinVar variation 857121 (VCV000857121.8), dbSNP rs755502655, ClinGen allele CA2436933.

ClinVar aggregate classification (germline): Uncertain significance. Review status: criteria provided, multiple submitters, no conflicts (2 of 4 stars). 2 submissions from 2 submitters: Uncertain significance (2). Last evaluated 2026-08-19.

Conditions:
BAP1-related tumor predisposition syndrome (TPDS1). Also called: Tumor susceptibility linked to germline BAP1 mutations; COMMON Syndrome; TUMOR PREDISPOSITION SYNDROME 1; BAP1 tumor predisposition syndrome. Identifiers: Orphanet 289539, MedGen C3280492, MONDO:0013692, OMIM 614327.
Hereditary cancer-predisposing syndrome. Also called: Tumor predisposition; Hereditary neoplastic syndrome; Neoplastic Syndromes, Hereditary; Hereditary Cancer Syndrome. Identifiers: Orphanet 140162, MedGen C0027672, MeSH D009386, MONDO:0015356.

Allele frequency attached by ClinVar (database versions not stated): ExAC 0.00001; gnomAD exomes below 0.00001.
gnomAD v4.1: 1 of 1,613,944 alleles (0.000062%); highest among the groups gnomAD compares: Admixed American, 0.0017%; no homozygotes.

Submissions (2):

Ambry Genetics
Classification: Uncertain significance for Hereditary cancer-predisposing syndrome. Last evaluated: 2026-08-19. Review status: criteria provided, single submitter. Criteria: Ambry Variant Classification Scheme 2023. Collection method: clinical testing. Allele origin: germline.
Comment: The p.T351S variant (also known as c.1051A>T), located in coding exon 11 of the BAP1 gene, results from an A to T substitution at nucleotide position 1051. The threonine at codon 351 is replaced by serine, an amino acid with similar properties. This amino acid position is conserved. In addition, this alteration is predicted to be tolerated by in silico analysis. Based on the available evidence, the clinical significance of this variant remains unclear.

Labcorp Genetics (formerly Invitae), Labcorp
Classification: Uncertain significance for BAP1-related tumor predisposition syndrome. Last evaluated: 2026-01-12. Review status: criteria provided, single submitter. Criteria: Invitae Variant Classification Sherloc (09022015). Collection method: clinical testing. Allele origin: germline.
Comment: This sequence change replaces threonine, which is neutral and polar, with serine, which is neutral and polar, at codon 351 of the BAP1 protein (p.Thr351Ser). This variant is present in population databases (rs755502655, gnomAD 0.003%). This variant has not been reported in the literature in individuals affected with BAP1-related conditions. ClinVar contains an entry for this variant (Variation ID: 857121). Invitae Evidence Modeling of protein sequence and biophysical properties (such as structural, functional, and spatial information, amino acid conservation, physicochemical variation, residue mobility, and thermodynamic stability) indicates that this missense variant is not expected to disrupt BAP1 protein function with a negative predictive value of 80%. In summary, the available evidence is currently insufficient to determine the role of this variant in disease. Therefore, it has been classified as a Variant of Uncertain Significance.